The following is an entry in ClinVar:

NM_014672.4(PRORP):c.1505G>A (p.Arg502Gln)

Genes: PRORP (protein only RNase P catalytic subunit; plus strand), PRORP-PSMA6 (PRORP-PSMA6 readthrough; plus strand). Cytogenetic location: 14q13.2.
Variant type: single nucleotide variant.
Coding change: c.1505G>A on transcript NM_014672.4 (MANE Select); coding-DNA position 1505, G replaced by A.
Protein change: p.Arg502Gln; replaces arginine 502 with glutamine.
Molecular consequence: missense variant.
Genome position (GRCh38, 1-based): chr14:35,270,481, G>A. VCF-style: chr14-35270481-G-A. GRCh37 (hg19) VCF-style: chr14-35739687-G-A.
Other names: c.1457G>A, p.Arg486Gln (NM_001256678.2); c.1220G>A, p.Arg407Gln (NM_001256679.2); c.389G>A, p.Arg130Gln (NM_001256680.2, NM_001256681.2); c.1505G>A (NM_014672.2); short protein forms R130Q, R407Q, R486Q, R502Q.
Identifiers: ClinVar variation 1705405 (VCV001705405.2), dbSNP rs748210427, ClinGen allele CA7154961.

ClinVar aggregate classification (germline): Uncertain significance. Review status: criteria provided, multiple submitters, no conflicts (2 of 4 stars). 2 submissions from 2 submitters: Uncertain significance (2). Last evaluated 2025-10-29.

Conditions:
Combined oxidative phosphorylation deficiency 54 (COXPD54). Identifiers: MedGen C5676912, MONDO:0030543, OMIM 619737.

Allele frequency attached by ClinVar (database versions not stated): TOPMed below 0.00001; gnomAD exomes 0.00001; ExAC 0.00002.
gnomAD v4.1: 18 of 1,614,088 alleles (0.0011%); highest among the groups gnomAD compares: South Asian, 0.0033%; no homozygotes.

Submissions (2):

Ambry Genetics
Classification: Uncertain significance. Last evaluated: 2025-10-29. Review status: criteria provided, single submitter. Criteria: Ambry Variant Classification Scheme 2023. Collection method: clinical testing. Allele origin: germline.

3billion
Classification: Uncertain significance for Combined oxidative phosphorylation deficiency 54. Last evaluated: 2022-09-01. Review status: criteria provided, single submitter. Criteria: ACMG Guidelines, 2015. Collection method: clinical testing. Allele origin: germline. Affected: yes. Observed: 1 homozygote.
Comment: The variant is observed at an extremely low frequency in the gnomAD v2.1.1 dataset (total allele frequency: 0.002%). In silico tool predictions suggest damaging effect of the variant on gene or gene product (REVEL: 0.73; 3Cnet: 0.20). Therefore, this variant is classified as uncertain significance according to the recommendation of ACMG/AMP guideline.